The following is an entry in ClinVar:

ClinVar aggregate classification (germline): Pathogenic (1 of 4 stars; one submission).

Submission:

Labcorp Genetics (formerly Invitae), Labcorp
Classification: Pathogenic. Last evaluated: 2025-10-14. Review status: criteria provided, single submitter. Criteria: Invitae Variant Classification Sherloc (09022015). Collection method: clinical testing. Allele origin: germline.
Comment: This sequence change creates a premature translational stop signal (p.Lys65Asnfs*6) in the XRCC4 gene. It is expected to result in an absent or disrupted protein product. Loss-of-function variants in XRCC4 are known to be pathogenic (PMID: 25728776). This variant is present in population databases (rs769225929, gnomAD 0.03%). This variant has not been reported in the literature in individuals affected with XRCC4-related conditions. ClinVar contains an entry for this variant (Variation ID: 1985165). For these reasons, this variant has been classified as Pathogenic.

Literature cited by the submitters: PubMed 25728776.

NM_003401.5(XRCC4):c.189del (p.Lys65fs)

Gene: XRCC4 (X-ray repair cross complementing 4; plus strand). Cytogenetic location: 5q14.2.
Variant type: Deletion.
Coding change: c.189del on transcript NM_003401.5 (MANE Select); coding-DNA position 189, one base deleted (A; older notation c.189delA).
Protein change: p.Lys65fs; shifts the reading frame from lysine 65.
Molecular consequence: frameshift variant.
Genome position (GRCh38, 1-based): chr5:83,111,077, A deleted; the last of 5 consecutive A bases (chr5:83,111,073-83,111,077); deleting any one gives the same sequence. VCF-style (leftmost placement, unchanged base first): chr5-83111072-GA-G. GRCh37 (hg19) VCF-style: chr5-82406891-GA-G.
Other names: c.189delA, p.Lys65Asnfs (NM_001131022.1); c.189del, p.Lys65fs (NM_001318012.3, NM_001318013.2, NM_022406.5 and 1 more transcripts); short protein forms K65fs.
Identifiers: ClinVar variation 1985165 (VCV001985165.4), dbSNP rs769225929, ClinGen allele CA3332104.